The following is an entry in ClinVar:

NM_024675.4(PALB2):c.3079C>G (p.Leu1027Val)

Gene: PALB2 (partner and localizer of BRCA2; minus strand). Cytogenetic location: 16p12.2.
Variant type: single nucleotide variant.
Coding change: c.3079C>G on transcript NM_024675.4 (MANE Select); coding-DNA position 3079, C replaced by G.
Protein change: p.Leu1027Val; replaces leucine 1027 with valine.
Molecular consequence: missense variant.
Genome position (GRCh38, 1-based): chr16:23,621,396, G>C on the plus strand (C>G on the coding strand, the complement: PALB2 is on the minus strand). VCF-style: chr16-23621396-G-C. GRCh37 (hg19) VCF-style: chr16-23632717-G-C.
Other names: short protein forms L1027V.
Identifiers: ClinVar variation 922481 (VCV000922481.4), dbSNP rs1966769057, ClinGen allele CA395142918.

ClinVar aggregate classification (germline): Uncertain significance (1 of 4 stars; one submission).

Conditions:
Hereditary cancer-predisposing syndrome. Also called: Neoplastic Syndromes, Hereditary; Tumor predisposition; Hereditary Cancer Syndrome; Hereditary neoplastic syndrome. Identifiers: Orphanet 140162, MedGen C0027672, MeSH D009386, MONDO:0015356.

Submission:

Color Diagnostics, LLC DBA Color Health
Classification: Uncertain significance for Hereditary cancer-predisposing syndrome. Last evaluated: 2023-12-04. Review status: criteria provided, single submitter. Criteria: ACMG Guidelines, 2015. Collection method: clinical testing. Allele origin: germline.
Comment: This missense variant replaces leucine with valine at codon 1027 of the PALB2 protein. Computational prediction suggests that this variant may not impact protein structure and function (internally defined REVEL score threshold <= 0.5, PMID: 27666373). To our knowledge, functional studies have not been reported for this variant. This variant has not been reported in individuals affected with PALB2-related disorders in the literature. This variant has not been identified in the general population by the Genome Aggregation Database (gnomAD). The available evidence is insufficient to determine the role of this variant in disease conclusively. Therefore, this variant is classified as a Variant of Uncertain Significance.